The following is an entry in ClinVar:

NM_000883.4(IMPDH1):c.1063G>A (p.Val355Ile)

Gene: IMPDH1 (inosine monophosphate dehydrogenase 1; minus strand). Cytogenetic location: 7q32.1.
Variant type: single nucleotide variant.
Coding change: c.1063G>A on transcript NM_000883.4 (MANE Select); coding-DNA position 1063, G replaced by A.
Protein change: p.Val355Ile; replaces valine 355 with isoleucine.
Molecular consequence: missense variant.
Genome position (GRCh38, 1-based): chr7:128,398,425, C>T on the plus strand (G>A on the coding strand, the complement: IMPDH1 is on the minus strand). VCF-style: chr7-128398425-C-T. GRCh37 (hg19) VCF-style: chr7-128038479-C-T.
Other names: c.1033G>A, p.Val345Ile (NM_001102605.2); c.808G>A, p.Val270Ile (NM_001142573.2); c.793G>A, p.Val265Ile (NM_001142574.2); c.733G>A, p.Val245Ile (NM_001142575.2); c.964G>A, p.Val322Ile (NM_001142576.2); c.856G>A, p.Val286Ile (NM_001304521.2); c.955G>A, p.Val319Ile (NM_183243.3); c.1063G>A (NM_000883.3); short protein forms V322I, V345I, V245I, V265I, V270I, V286I, V319I, V355I.
Identifiers: ClinVar variation 2169721 (VCV002169721.5), dbSNP rs756093672, ClinGen allele CA4470970.

ClinVar aggregate classification (germline): Uncertain significance. Review status: criteria provided, multiple submitters, no conflicts (2 of 4 stars). 2 submissions from 2 submitters: Uncertain significance (2). Last evaluated 2025-08-21.

Conditions:
Inborn genetic diseases. Identifiers: MedGen C0950123, MeSH D030342.

Allele frequency attached by ClinVar (database versions not stated): TOPMed below 0.00001; gnomAD 0.00001; gnomAD exomes 0.00001; ExAC 0.00002.
gnomAD v4.1: 11 of 1,613,042 alleles (0.00068%); highest among the groups gnomAD compares: Non-Finnish European, 0.00093%; no homozygotes.

Submissions (2):

Ambry Genetics
Classification: Uncertain significance for Inborn genetic diseases. Last evaluated: 2025-08-21. Review status: criteria provided, single submitter. Criteria: Ambry Variant Classification Scheme 2023. Collection method: clinical testing. Allele origin: germline.

Labcorp Genetics (formerly Invitae), Labcorp
Classification: Uncertain significance. Last evaluated: 2025-01-06. Review status: criteria provided, single submitter. Criteria: Invitae Variant Classification Sherloc (09022015). Collection method: clinical testing. Allele origin: germline.
Comment: This sequence change replaces valine, which is neutral and non-polar, with isoleucine, which is neutral and non-polar, at codon 355 of the IMPDH1 protein (p.Val355Ile). This variant is present in population databases (rs756093672, gnomAD 0.004%). This variant has not been reported in the literature in individuals affected with IMPDH1-related conditions. ClinVar contains an entry for this variant (Variation ID: 2169721). An algorithm developed to predict the effect of missense changes on protein structure and function (PolyPhen-2) suggests that this variant is likely to be tolerated. In summary, the available evidence is currently insufficient to determine the role of this variant in disease. Therefore, it has been classified as a Variant of Uncertain Significance.